The following is an entry in ClinVar:

NM_004946.3(DOCK2):c.5483C>T (p.Thr1828Met)

Gene: DOCK2 (dedicator of cytokinesis 2; plus strand). Cytogenetic location: 5q35.1.
Variant type: single nucleotide variant.
Coding change: c.5483C>T on transcript NM_004946.3 (MANE Select); coding-DNA position 5483, C replaced by T.
Protein change: p.Thr1828Met; replaces threonine 1828 with methionine.
Molecular consequence: missense variant. On other transcripts: non-coding transcript variant (1).
Genome position (GRCh38, 1-based): chr5:170,082,848, C>T. VCF-style: chr5-170082848-C-T. GRCh37 (hg19) VCF-style: chr5-169509852-C-T.
Other names: short protein forms T1828M.
Identifiers: ClinVar variation 938465 (VCV000938465.5), dbSNP rs202005409, ClinGen allele CA3554909.
Genomic context (GRCh38, chr5:170,082,848, plus strand): 5'-CTCAAAAGCTGGCCAGCAAATCGGCTGAAGAAGGCAAACAGATCCCAGACTCGCTGTCCA[C>T]GGACCTGTGAGCTGCTGCTGACTAGGGCTGCATGGGAGAGCCAGGGAGGGGAGTTTCTGG-3'
Protein context (NP_004937.1, residues 1818-1830): EGKQIPDSLS[Thr1828Met]DL

ClinVar aggregate classification (germline): Uncertain significance (1 of 4 stars; one submission).

Conditions:
DOCK2 deficiency. Also called: Immunodeficiency 40. Identifiers: Orphanet 447737, MedGen C4225328, MONDO:0014637, OMIM 616433.

Allele frequency attached by ClinVar (database versions not stated): gnomAD 0.00005 and 0.00006; TOPMed 0.00008; ExAC 0.00009; gnomAD exomes 0.00014; 1000 Genomes Project 30x 0.00016; 1000 Genomes Project 0.00020.
gnomAD v4.1: 123 of 1,614,178 alleles (0.0076%); highest among the groups gnomAD compares: East Asian, 0.094%; no homozygotes.

Submission:

Labcorp Genetics (formerly Invitae), Labcorp
Classification: Uncertain significance for DOCK2 deficiency. Last evaluated: 2022-10-20. Review status: criteria provided, single submitter. Criteria: Invitae Variant Classification Sherloc (09022015). Collection method: clinical testing. Allele origin: germline.
Comment: This sequence change replaces threonine, which is neutral and polar, with methionine, which is neutral and non-polar, at codon 1828 of the DOCK2 protein (p.Thr1828Met). This variant is present in population databases (rs202005409, gnomAD 0.2%). This variant has not been reported in the literature in individuals affected with DOCK2-related conditions. ClinVar contains an entry for this variant (Variation ID: 938465). Algorithms developed to predict the effect of missense changes on protein structure and function (SIFT, PolyPhen-2, Align-GVGD) all suggest that this variant is likely to be tolerated. In summary, the available evidence is currently insufficient to determine the role of this variant in disease. Therefore, it has been classified as a Variant of Uncertain Significance.